The following is an entry in ClinVar:

NM_006096.4(NDRG1):c.196G>A (p.Gly66Ser)

Gene: NDRG1 (N-myc downstream regulated 1; minus strand). Cytogenetic location: 8q24.22.
Variant type: single nucleotide variant.
Coding change: c.196G>A on transcript NM_006096.4 (MANE Select); coding-DNA position 196, G replaced by A.
Protein change: p.Gly66Ser; replaces glycine 66 with serine.
Molecular consequence: missense variant. On other transcripts: 5 prime UTR variant (2), intron variant (1).
Genome position (GRCh38, 1-based): chr8:133,264,556, C>T on the plus strand (G>A on the coding strand, the complement: NDRG1 is on the minus strand). VCF-style: chr8-133264556-C-T. GRCh37 (hg19) VCF-style: chr8-134276799-C-T.
Other names: c.196G>A, p.Gly66Ser (NM_001135242.2, NM_001374844.1, NM_001374845.1 and 1 more transcripts); c.-3G>A (NM_001258432.2, NM_001374847.1); c.-38-2389G>A (NM_001258433.2); short protein forms G66S.
Identifiers: ClinVar variation 362041 (VCV000362041.6), dbSNP rs780329667, ClinGen allele CA4886858.

ClinVar aggregate classification (germline): Uncertain significance. Review status: criteria provided, multiple submitters, no conflicts (2 of 4 stars). 2 submissions from 2 submitters: Uncertain significance (2). Last evaluated 2022-07-29.

Conditions:
Charcot-Marie-Tooth disease type 4. Also called: Charcot-Marie-Tooth, Type 4; Charcot-Marie-Tooth disease, type IV. Identifiers: Orphanet 64749, MedGen C4082197, MONDO:0018995.
Charcot-Marie-Tooth disease type 4D. Also called: CHARCOT-MARIE-TOOTH DISEASE, DEMYELINATING, AUTOSOMAL RECESSIVE, TYPE 4D; NEUROPATHY, HEREDITARY MOTOR AND SENSORY, LOM TYPE; Charcot-Marie-Tooth Neuropathy Type 4D; CHARCOT-MARIE-TOOTH DISEASE, DEMYELINATING, TYPE 4D. Identifiers: Orphanet 99950, MedGen C1832334, MONDO:0011085, OMIM 601455.

Allele frequency attached by ClinVar (database versions not stated): gnomAD exomes 0.00001; ExAC 0.00002; TOPMed 0.00006.
gnomAD v4.1: 16 of 1,613,968 alleles (0.00099%); highest among the groups gnomAD compares: East Asian, 0.0045%; no homozygotes.

Submissions (2):

Labcorp Genetics (formerly Invitae), Labcorp
Classification: Uncertain significance for Charcot-Marie-Tooth disease type 4. Last evaluated: 2022-07-29. Review status: criteria provided, single submitter. Criteria: Invitae Variant Classification Sherloc (09022015). Collection method: clinical testing. Allele origin: germline.
Comment: This sequence change replaces glycine, which is neutral and non-polar, with serine, which is neutral and polar, at codon 66 of the NDRG1 protein (p.Gly66Ser). This variant is present in population databases (rs780329667, gnomAD 0.01%). This variant has not been reported in the literature in individuals affected with NDRG1-related conditions. ClinVar contains an entry for this variant (Variation ID: 362041). Algorithms developed to predict the effect of missense changes on protein structure and function are either unavailable or do not agree on the potential impact of this missense change (SIFT: "Deleterious"; PolyPhen-2: "Probably Damaging"; Align-GVGD: "Class C0"). Algorithms developed to predict the effect of sequence changes on RNA splicing suggest that this variant may create or strengthen a splice site. In summary, the available evidence is currently insufficient to determine the role of this variant in disease. Therefore, it has been classified as a Variant of Uncertain Significance.

Illumina Laboratory Services, Illumina
Classification: Uncertain significance for Charcot-Marie-Tooth disease type 4D. Last evaluated: 2018-01-13. Review status: criteria provided, single submitter. Criteria: ICSL Variant Classification Criteria 13 December 2019. Collection method: clinical testing. Allele origin: germline.